The following is an entry in ClinVar:

ClinVar aggregate classification (germline): Conflicting classifications of pathogenicity. Review status: criteria provided, conflicting classifications (1 of 4 stars). 7 submissions from 7 submitters: Uncertain significance (3); Likely benign (1). 3 of the submissions do not count toward it. Last evaluated 2026-01-19.

Conditions:
SIX5-related disorder. Also called: SIX5-related condition.
Branchiootorenal syndrome 2 (BOR2). Identifiers: Orphanet 107, MedGen C1970479, MONDO:0012575, OMIM 610896.

Allele frequency attached by ClinVar (database versions not stated): gnomAD exomes 0.00011 and 0.00030; ExAC 0.00012; gnomAD 0.00019 and 0.00020; TOPMed 0.00023.
gnomAD v4.1: 475 of 1,587,852 alleles (0.03%); highest among the groups gnomAD compares: Non-Finnish European, 0.037%; no homozygotes.

Submissions (7):

Labcorp Genetics (formerly Invitae), Labcorp
Classification: Uncertain significance. Last evaluated: 2026-01-19. Review status: criteria provided, single submitter. Criteria: Invitae Variant Classification Sherloc (09022015). Collection method: clinical testing. Allele origin: germline.
Comment: This sequence change replaces alanine, which is neutral and non-polar, with threonine, which is neutral and polar, at codon 158 of the SIX5 protein (p.Ala158Thr). This variant is present in population databases (rs80356461, gnomAD 0.02%). This missense change has been observed in individual(s) with branchio-oto-renal syndrome (PMID: 17357085). ClinVar contains an entry for this variant (Variation ID: 8598). Invitae Evidence Modeling of protein sequence and biophysical properties (such as structural, functional, and spatial information, amino acid conservation, physicochemical variation, residue mobility, and thermodynamic stability) indicates that this missense variant is not expected to disrupt SIX5 protein function with a negative predictive value of 80%. Experimental studies have shown that this missense change affects SIX5 function (PMID: 17357085). In summary, the available evidence is currently insufficient to determine the role of this variant in disease. Therefore, it has been classified as a Variant of Uncertain Significance.

PreventionGenetics, part of Exact Sciences
Classification: Uncertain significance for SIX5-related condition. Last evaluated: 2025-06-03. Review status: criteria provided, single submitter. Criteria: ACMG Guidelines, 2015. Collection method: clinical testing. Allele origin: germline.
Comment: The SIX5 c.472G>A variant is predicted to result in the amino acid substitution p.Ala158Thr. This variant was reported in an individual with preauricular tags and dysplastic kidneys (Hoskins et al. 2007. PubMed ID: 17357085) and in a patient and several controls from a cohort of individuals with genitourinary disorders (Supplement 4, Rasouly et al. 2018. PubMed ID: 30476936). Functional studies found this variant decreased SIX5-EYA1 protein binding by >2-fold in a yeast two-hybrid assay, and reduced promoter activation by ~50% in a luciferase reporter assay (Hoskins et al. 2007. PubMed ID: 17357085). This variant is reported in 0.021% of alleles in individuals of European (Non-Finnish) descent in gnomAD, which is higher than expected for a fully penetrant pathogenic variant. At this time, the clinical significance of this variant is uncertain due to the absence of conclusive functional and genetic evidence.

Blueprint Genetics
Classification: Likely benign. Last evaluated: 2023-10-27. Review status: criteria provided, single submitter. Criteria: ACMG Guidelines, 2015. Collection method: clinical testing. Allele origin: germline.

Department of Pathology and Laboratory Medicine, Sinai Health System
Classification: Uncertain significance for Branchiootorenal syndrome 2. Last evaluated: 2021-07-30. Review status: criteria provided, single submitter. Criteria: ACMG Guidelines, 2015. Collection method: research. Allele origin: germline.

Gharavi Laboratory, Columbia University
Classification: Uncertain significance. Last evaluated: 2018-09-16. Review status: no assertion criteria provided. Criteria: ACMG Guidelines, 2015. Collection method: research. Allele origin: germline. Affected: no. Not counted in ClinVar's aggregate classification.

OMIM
Classification: Pathogenic for BRANCHIOOTORENAL SYNDROME 2. Last evaluated: 2007-04-01. Review status: no assertion criteria provided. Collection method: literature only. Allele origin: germline. Not counted in ClinVar's aggregate classification.

GeneReviews
No classification provided. Condition: Branchiootorenal syndrome 2. Review status: no classification provided. Collection method: literature only. Allele origin: germline. Not counted in ClinVar's aggregate classification.

Literature cited by the submitters: PubMed 17357085 (cited by 3 submitters).

NM_175875.5(SIX5):c.472G>A (p.Ala158Thr)

Genes: DM1-AS (DM1 locus antisense RNA; plus strand), SIX5 (SIX homeobox 5; minus strand), LOC107075317 (origin of replication in DMPK trinucleotide repeat region; plus strand). Cytogenetic location: 19q13.32.
Variant type: single nucleotide variant.
Coding change: c.472G>A on transcript NM_175875.5 (MANE Select); coding-DNA position 472, G replaced by A.
Protein change: p.Ala158Thr; replaces alanine 158 with threonine.
Molecular consequence: missense variant.
Genome position (GRCh38, 1-based): chr19:45,768,373, C>T on the plus strand (G>A on the coding strand, the complement: SIX5 is on the minus strand). VCF-style: chr19-45768373-C-T. GRCh37 (hg19) VCF-style: chr19-46271631-C-T.
Other names: c.472G>A (NM_175875.4); short protein forms A158T.
Identifiers: ClinVar variation 8598 (VCV000008598.15), dbSNP rs80356461, ClinGen allele CA340795.
Genomic context (GRCh38, chr19:45,768,373, plus strand): 5'-GGCCGCGGGCCCGCTCGGCCTCATGGTAGCGCGCGCGCAGGTAGAGGTCCTGCAGGAAGG[C>T]GTGGTGGGCGGCGGGGAAGGGGCGGCTCTCGAGTAGCCGGTAGAGCTCGGCGTACTCGCC-3'
Protein context (NP_787071.3, residues 148-168): ESRPFPAAHH[Ala158Thr]FLQDLYLRAR